The following is an entry in ClinVar:

ClinVar aggregate classification (germline): Benign/Likely benign. Review status: criteria provided, multiple submitters, no conflicts (2 of 4 stars). 3 submissions from 3 submitters: Benign (1); Likely benign (2). Last evaluated 2025-08-10.

Conditions:
Familial cancer of breast. Also called: BREAST CANCER, FAMILIAL; Hereditary breast cancer; hereditary breast carcinoma. Identifiers: Orphanet 227535, MedGen C0346153, MONDO:0016419, OMIM 114480. Disease mechanism: loss of function.
Ataxia-telangiectasia syndrome (AT). Also called: ATAXIA-TELANGIECTASIA, COMPLEMENTATION GROUP A; ATAXIA-TELANGIECTASIA, FRESNO VARIANT; LOUIS-BAR SYNDROME; Ataxia telangiectasia (A-T); Cerebello-oculocutaneous telangiectasia; Immunodeficiency with ataxia telangiectasia. Identifiers: Orphanet 100, MedGen C0004135, MONDO:0008840, OMIM 208900.
Hereditary cancer-predisposing syndrome. Also called: Tumor predisposition; Neoplastic Syndromes, Hereditary; Hereditary Cancer Syndrome; Hereditary neoplastic syndrome. Identifiers: Orphanet 140162, MedGen C0027672, MeSH D009386, MONDO:0015356.

Submissions (3):

Labcorp Genetics (formerly Invitae), Labcorp
Classification: Likely benign for Ataxia-telangiectasia syndrome. Last evaluated: 2025-08-10. Review status: criteria provided, single submitter. Criteria: Invitae Variant Classification Sherloc (09022015). Collection method: clinical testing. Allele origin: germline.

Myriad Genetics, Inc.
Classification: Benign for Familial cancer of breast. Last evaluated: 2024-05-16. Review status: criteria provided, single submitter. Criteria: Myriad Autosomal Dominant, Autosomal Recessive and X-Linked Classification Criteria (2023). Collection method: clinical testing. Allele origin: unknown.
Comment: This variant is considered benign. This variant is a silent/synonymous amino acid change and it is not expected to impact splicing.

Color Diagnostics, LLC DBA Color Health
Classification: Likely benign for Hereditary cancer-predisposing syndrome. Last evaluated: 2018-05-10. Review status: criteria provided, single submitter. Criteria: ACMG Guidelines, 2015. Collection method: clinical testing. Allele origin: germline.

NM_000051.4(ATM):c.4053A>G (p.Leu1351=)

Gene: ATM (ATM serine/threonine kinase; plus strand). Cytogenetic location: 11q22.3.
Variant type: single nucleotide variant.
Coding change: c.4053A>G on transcript NM_000051.4 (MANE Select); coding-DNA position 4053, A replaced by G.
Protein change: p.Leu1351=; no amino-acid change (leucine 1351 retained).
Molecular consequence: synonymous variant.
Genome position (GRCh38, 1-based): chr11:108,287,659, A>G. VCF-style: chr11-108287659-A-G. GRCh37 (hg19) VCF-style: chr11-108158386-A-G.
Other names: c.4053A>G, p.Leu1351= (NM_001351834.2).
Identifiers: ClinVar variation 628324 (VCV000628324.12), dbSNP rs1565452695, ClinGen allele CA476673588.
Genomic context (GRCh38, chr11:108,287,659, plus strand): 5'-GATTGATCACTTATTCATTAGTAATTTACCAGAGATTGTGGTGGAGTTATTGATGACGTT[A>G]CATGAGCCAGCAAATTCTAGTGCCAGTCAGAGCACTGACCTCTGTGACTTTTCAGGGTAT-3'
Protein context (NP_000042.3, residues 1341-1361): PEIVVELLMT[Leu1351=]HEPANSSASQ